The following is an entry in ClinVar:

ClinVar aggregate classification (germline): Uncertain significance (1 of 4 stars; one submission).

gnomAD v4.1: 5 of 1,613,964 alleles (0.00031%); highest among the groups gnomAD compares: South Asian, 0.0022%; no homozygotes.

Submission:

Labcorp Genetics (formerly Invitae), Labcorp
Classification: Uncertain significance. Last evaluated: 2026-01-26. Review status: criteria provided, single submitter. Criteria: Invitae Variant Classification Sherloc (09022015). Collection method: clinical testing. Allele origin: germline.
Comment: This sequence change replaces alanine, which is neutral and non-polar, with serine, which is neutral and polar, at codon 2512 of the FLNB protein (p.Ala2512Ser). This variant is present in population databases (rs142878980, gnomAD 0.003%). This variant has not been reported in the literature in individuals affected with FLNB-related conditions. ClinVar contains an entry for this variant (Variation ID: 2879607). Invitae Evidence Modeling of protein sequence and biophysical properties (such as structural, functional, and spatial information, amino acid conservation, physicochemical variation, residue mobility, and thermodynamic stability) indicates that this missense variant is not expected to disrupt FLNB protein function with a negative predictive value of 95%. In summary, the available evidence is currently insufficient to determine the role of this variant in disease. Therefore, it has been classified as a Variant of Uncertain Significance.

NM_001457.4(FLNB):c.7534G>T (p.Ala2512Ser)

Genes: FLNB (filamin B; plus strand), FLNB-AS1 (FLNB antisense RNA 1; minus strand). Cytogenetic location: 3p14.3.
Variant type: single nucleotide variant.
Coding change: c.7534G>T on transcript NM_001457.4 (MANE Select); coding-DNA position 7534, G replaced by T.
Protein change: p.Ala2512Ser; replaces alanine 2512 with serine.
Molecular consequence: missense variant.
Genome position (GRCh38, 1-based): chr3:58,169,706, G>T. VCF-style: chr3-58169706-G-T. GRCh37 (hg19) VCF-style: chr3-58155433-G-T.
Other names: c.7627G>T, p.Ala2543Ser (NM_001164317.2); c.7501G>T, p.Ala2501Ser (NM_001164318.2); c.7462G>T, p.Ala2488Ser (NM_001164319.2); short protein forms A2543S, A2488S, A2512S, A2501S.
Identifiers: ClinVar variation 2879607 (VCV002879607.3), dbSNP rs142878980, ClinGen allele CA2469717.